The following is an entry in ClinVar:

NM_004415.4(DSP):c.2354A>G (p.Lys785Arg)

Gene: DSP (desmoplakin; plus strand). Cytogenetic location: 6p24.3.
Variant type: single nucleotide variant.
Coding change: c.2354A>G on transcript NM_004415.4 (MANE Select); coding-DNA position 2354, A replaced by G.
Protein change: p.Lys785Arg; replaces lysine 785 with arginine.
Molecular consequence: missense variant.
Genome position (GRCh38, 1-based): chr6:7,574,713, A>G. VCF-style: chr6-7574713-A-G. GRCh37 (hg19) VCF-style: chr6-7574946-A-G.
Other names: c.2354A>G, p.Lys785Arg (NM_001008844.3, NM_001319034.2); short protein forms K785R.
Identifiers: ClinVar variation 4757480 (VCV004757480.1).
Genomic context (GRCh38, chr6:7,574,713, plus strand): 5'-CCAGCTTATGCACAGTAAGGGCACTGCTCCAGGCTATTCTCCAAACAGAAGACATGTTAA[A>G]GGTTTATGAAGCCAGGCTCACTGAGGAGGAAACTGTCTGCCTGGACCTGGATAAAGTGGA-3'
Protein context (NP_004406.2, residues 775-795): QAILQTEDML[Lys785Arg]VYEARLTEEE

ClinVar aggregate classification (germline): Uncertain significance (1 of 4 stars; one submission).

Conditions:
Cardiomyopathy (CMYO). Also called: Cardiomyopathies. Identifiers: Orphanet 167848, MedGen C0878544, MONDO:0004994, HP:0001638. Inheritance: Various modes of inheritance.

Submission:

Color Diagnostics, LLC DBA Color Health
Classification: Uncertain significance for Cardiomyopathy. Last evaluated: 2025-07-14. Review status: criteria provided, single submitter. Criteria: ACMG Guidelines, 2015. Collection method: clinical testing. Allele origin: germline.
Comment: This missense variant replaces lysine with arginine at codon 785 of the DSP protein. Computational prediction suggests that this variant may not impact protein structure and function. To our knowledge, functional studies have not been reported for this variant. This variant has not been reported in individuals affected with DSP-related disorders in the literature. This variant has not been identified in the general population by the Genome Aggregation Database (gnomAD). The available evidence is insufficient to determine the role of this variant in disease conclusively. Therefore, this variant is classified as a Variant of Uncertain Significance.